The following is an entry in ClinVar:

NM_001368397.1(FRMPD4):c.611A>G (p.Asn204Ser)

Gene: FRMPD4 (FERM and PDZ domain containing 4; plus strand). Cytogenetic location: Xp22.2.
Variant type: single nucleotide variant.
Coding change: c.611A>G on transcript NM_001368397.1 (MANE Select); coding-DNA position 611, A replaced by G.
Protein change: p.Asn204Ser; replaces asparagine 204 with serine.
Molecular consequence: missense variant.
Genome position (GRCh38, 1-based): chrX:12,686,134, A>G. VCF-style: chrX-12686134-A-G. GRCh37 (hg19) VCF-style: chrX-12704253-A-G.
Other names: NC_000023.10:g.12704253A>G; c.722A>G, p.Asn241Ser (NM_001368395.3, NM_001368398.3); c.617A>G, p.Asn206Ser (NM_001368396.3); c.602A>G, p.Asn201Ser (NM_001368399.3); c.491A>G, p.Asn164Ser (NM_001368400.3); c.587A>G, p.Asn196Ser (NM_001368401.1, NM_001368402.3); c.611A>G, p.Asn204Ser (NM_014728.3); short protein forms N164S, N196S, N201S, N204S, N206S, N241S.
Identifiers: ClinVar variation 3339081 (VCV003339081.2).

ClinVar aggregate classification (germline): Uncertain significance (1 of 4 stars; one submission).

Submissions (2):

Women's Health and Genetics/Laboratory Corporation of America, LabCorp
Classification: Uncertain significance. Last evaluated: 2024-07-08. Review status: criteria provided, single submitter. Criteria: LabCorp Variant Classification Summary - May 2015. Collection method: clinical testing. Allele origin: germline.
Comment: Variant summary: FRMPD4 c.611A>G (p.Asn204Ser) results in a conservative amino acid change located in the FERM domain (IPR000299) of the encoded protein sequence. Three of five in-silico tools predict a damaging effect of the variant on protein function. The variant was absent in 179780 control chromosomes. The available data on variant occurrences in the general population are insufficient to allow any conclusion about variant significance. To our knowledge, no occurrence of c.611A>G in individuals affected with X-Linked Intellectual Disability 104 and no experimental evidence demonstrating its impact on protein function have been reported. No submitters have cited clinical-significance assessments for this variant to ClinVar. Based on the evidence outlined above, the variant was classified as uncertain significance.

Dr. Peter K. Rogan Lab, Western University
No classification provided (evidence only). Condition: Nonpapillary renal cell carcinoma. Review status: no classification provided. Collection method: in vitro. Allele origin: not applicable. Functional consequence: retained intron. Not counted in ClinVar's aggregate classification.